The following is an entry in ClinVar:

ClinVar aggregate classification (germline): Uncertain significance (1 of 4 stars; one submission).

Conditions:
Joubert syndrome 21 (JBTS21). Identifiers: MedGen C3810212, MONDO:0014288, OMIM 615636.

Submission:

Labcorp Genetics (formerly Invitae), Labcorp
Classification: Uncertain significance for Joubert syndrome 21. Last evaluated: 2022-07-31. Review status: criteria provided, single submitter. Criteria: Invitae Variant Classification Sherloc (09022015). Collection method: clinical testing. Allele origin: germline.
Comment: In summary, the available evidence is currently insufficient to determine the role of this variant in disease. Therefore, it has been classified as a Variant of Uncertain Significance. Algorithms developed to predict the effect of missense changes on protein structure and function (SIFT, PolyPhen-2, Align-GVGD) all suggest that this variant is likely to be tolerated. This sequence change replaces alanine, which is neutral and non-polar, with serine, which is neutral and polar, at codon 351 of the CSPP1 protein (p.Ala351Ser). This variant is not present in population databases (gnomAD no frequency). This variant has not been reported in the literature in individuals affected with CSPP1-related conditions.

NM_001382391.1(CSPP1):c.1024G>T (p.Ala342Ser)

Gene: CSPP1 (centrosome and spindle pole associated protein 1; plus strand). Cytogenetic location: 8q13.2.
Variant type: single nucleotide variant.
Coding change: c.1024G>T on transcript NM_001382391.1 (MANE Select); coding-DNA position 1024, G replaced by T.
Protein change: p.Ala342Ser; replaces alanine 342 with serine.
Molecular consequence: missense variant.
Genome position (GRCh38, 1-based): chr8:67,105,906, G>T. VCF-style: chr8-67105906-G-T. GRCh37 (hg19) VCF-style: chr8-68018141-G-T.
Other names: c.169G>T, p.Ala57Ser (NM_001291339.2); c.943G>T, p.Ala315Ser (NM_001363131.2, NM_001363133.2); c.1024G>T, p.Ala342Ser (NM_001363132.2); c.1132G>T, p.Ala378Ser (NM_001364869.1); c.952G>T, p.Ala318Ser (NM_001364870.1); c.1051G>T, p.Ala351Ser (NM_024790.7); short protein forms A57S, A315S, A318S, A342S, A351S, A378S.
Identifiers: ClinVar variation 1960381 (VCV001960381.3), dbSNP rs1394567085, ClinGen allele CA371194374.